The following is an entry in ClinVar:

NM_003579.4(RAD54L):c.2125T>C (p.Cys709Arg)

Genes: LRRC41 (leucine rich repeat containing 41; minus strand), RAD54L (RAD54 like; plus strand). Cytogenetic location: 1p34.1.
Variant type: single nucleotide variant.
Coding change: c.2125T>C on transcript NM_003579.4 (MANE Select); coding-DNA position 2125, T replaced by C.
Protein change: p.Cys709Arg; replaces cysteine 709 with arginine.
Molecular consequence: missense variant. On other transcripts: 3 prime UTR variant (1).
Genome position (GRCh38, 1-based): chr1:46,278,163, T>C. VCF-style: chr1-46278163-T-C. GRCh37 (hg19) VCF-style: chr1-46743835-T-C.
Other names: c.*702A>G (NM_006369.5); c.2125T>C, p.Cys709Arg (NM_001142548.2); c.1585T>C, p.Cys529Arg (NM_001370766.1); short protein forms C529R, C709R.
Identifiers: ClinVar variation 1786316 (VCV001786316.2), dbSNP rs2525732039, ClinGen allele CA340191244.
Genomic context (GRCh38, chr1:46,278,163, plus strand): 5'-CAGATCCGGCCACCCCCTGATGGTTCTGACTGCACTTCAGACCTGGCAGGGTGGAACCAC[T>C]GCACTGATAAGTGGGGGCTCCGGGATGAGGTACTCCAGGCTGCCTGGGATGCTGCCTCCA-3'
Protein context (NP_003570.2, residues 699-719): CTSDLAGWNH[Cys709Arg]TDKWGLRDEV

ClinVar aggregate classification (germline): Uncertain significance (1 of 4 stars; one submission).

Submission:

Ambry Genetics
Classification: Uncertain significance. Last evaluated: 2022-01-15. Review status: criteria provided, single submitter. Criteria: Ambry Variant Classification Scheme 2023. Collection method: clinical testing. Allele origin: germline.
Comment: The p.C709R variant (also known as c.2125T>C), located in coding exon 18 of the RAD54L gene, results from a T to C substitution at nucleotide position 2125. The cysteine at codon 709 is replaced by arginine, an amino acid with highly dissimilar properties. This amino acid position is conserved. In addition, this alteration is predicted to be tolerated by in silico analysis. Since supporting evidence is limited at this time, the clinical significance of this alteration remains unclear.